The following is an entry in ClinVar:

NM_000455.5(STK11):c.17C>G (p.Pro6Arg)

Gene: STK11 (serine/threonine kinase 11; plus strand). Cytogenetic location: 19p13.3.
Variant type: single nucleotide variant.
Coding change: c.17C>G on transcript NM_000455.5 (MANE Select); coding-DNA position 17, C replaced by G.
Protein change: p.Pro6Arg; replaces proline 6 with arginine.
Molecular consequence: missense variant.
Genome position (GRCh38, 1-based): chr19:1,206,930, C>G. VCF-style: chr19-1206930-C-G. GRCh37 (hg19) VCF-style: chr19-1206929-C-G.
Other names: short protein forms P6R.
Identifiers: ClinVar variation 647785 (VCV000647785.22), dbSNP rs775346785, ClinGen allele CA046464.

ClinVar aggregate classification (germline): Conflicting classifications of pathogenicity. Review status: criteria provided, conflicting classifications (1 of 4 stars). 6 submissions from 6 submitters: Uncertain significance (5); Likely benign (1). Last evaluated 2025-11-14.

Conditions:
Hereditary cancer-predisposing syndrome. Also called: Hereditary Cancer Syndrome; Tumor predisposition; Neoplastic Syndromes, Hereditary; Hereditary neoplastic syndrome. Identifiers: Orphanet 140162, MedGen C0027672, MeSH D009386, MONDO:0015356.
Peutz-Jeghers syndrome (PJS). Also called: POLYPOSIS, HAMARTOMATOUS INTESTINAL; POLYPS-AND-SPOTS SYNDROME; Peutz-Jeghers polyposis; Periorificial lentiginosis syndrome. Identifiers: Orphanet 2869, MedGen C0031269, MeSH D010580, MONDO:0008280, OMIM 175200.

Allele frequency attached by ClinVar (database versions not stated): gnomAD exomes below 0.00001; TOPMed below 0.00001; ExAC 0.00003.
gnomAD v4.1: 2 of 1,589,664 alleles (0.00013%); highest among the groups gnomAD compares: East Asian, 0.0046%; no homozygotes.

Submissions (6):

Ambry Genetics
Classification: Uncertain significance for Hereditary cancer-predisposing syndrome. Last evaluated: 2025-11-14. Review status: criteria provided, single submitter. Criteria: Ambry Variant Classification Scheme 2023. Collection method: clinical testing. Allele origin: germline.
Comment: The p.P6R variant (also known as c.17C>G), located in coding exon 1 of the STK11 gene, results from a C to G substitution at nucleotide position 17. The proline at codon 6 is replaced by arginine, an amino acid with dissimilar properties. This amino acid position is not well conserved in available vertebrate species. In addition, this alteration is predicted to be tolerated by in silico analysis. Based on the available evidence, the clinical significance of this variant remains unclear.

Labcorp Genetics (formerly Invitae), Labcorp
Classification: Likely benign for Peutz-Jeghers syndrome. Last evaluated: 2025-10-27. Review status: criteria provided, single submitter. Criteria: Invitae Variant Classification Sherloc (09022015). Collection method: clinical testing. Allele origin: germline.

All of Us Research Program, National Institutes of Health
Classification: Uncertain significance for Peutz-Jeghers syndrome. Last evaluated: 2024-07-10. Review status: criteria provided, single submitter. Criteria: ACMG Guidelines, 2015. Collection method: clinical testing. Allele origin: germline. Inheritance: Autosomal dominant inheritance. Observed: 1 variant allele, 1 heterozygote.
Comment: This missense variant replaces proline with arginine at codon 6 of the STK11 protein. Computational prediction suggests that this variant may not impact protein structure and function. To our knowledge, functional studies have not been reported for this variant. This variant has not been reported in individuals affected with STK11-related disorders in the literature. This variant has been identified in 1/207970 chromosomes in the general population by the Genome Aggregation Database (gnomAD). The available evidence is insufficient to determine the role of this variant in disease conclusively. Therefore, this variant is classified as a Variant of Uncertain Significance.

This study involves interpretation of variants in research participants for the purpose of population health screening. Participant phenotype was not available at the time of variant classification. Additional details can be found in publication PMID: 35346344, PMCID: PMC8962531

Color Diagnostics, LLC DBA Color Health
Classification: Uncertain significance for Hereditary cancer-predisposing syndrome. Last evaluated: 2024-06-20. Review status: criteria provided, single submitter. Criteria: ACMG Guidelines, 2015. Collection method: clinical testing. Allele origin: germline.
Comment: This missense variant replaces proline with arginine at codon 6 of the STK11 protein. Computational prediction suggests that this variant may not impact protein structure and function. To our knowledge, functional studies have not been reported for this variant. This variant has not been reported in individuals affected with STK11-related disorders in the literature. This variant has been identified in 1/207970 chromosomes in the general population by the Genome Aggregation Database (gnomAD). The available evidence is insufficient to determine the role of this variant in disease conclusively. Therefore, this variant is classified as a Variant of Uncertain Significance.

Department of Pathology and Laboratory Medicine, Sinai Health System
Classification: Uncertain significance for Peutz-Jeghers syndrome. Last evaluated: 2022-11-04. Review status: criteria provided, single submitter. Criteria: ACMG Guidelines, 2015. Collection method: clinical testing. Allele origin: germline. Affected: yes.

Genome-Nilou Lab
Classification: Uncertain significance for Peutz-Jeghers syndrome. Last evaluated: 2021-07-15. Review status: criteria provided, single submitter. Criteria: ACMG Guidelines, 2015. Collection method: clinical testing. Allele origin: germline. Affected: no.